The following is an entry in ClinVar:

ClinVar aggregate classification (germline): Pathogenic/Likely pathogenic. Review status: criteria provided, multiple submitters, no conflicts (2 of 4 stars). 5 submissions from 5 submitters: Pathogenic (2); Likely pathogenic (2). 1 of the submissions does not count toward it. Last evaluated 2025-12-15.

Conditions:
Polycystic kidney disease 4 (PKD4). Also called: POLYCYSTIC KIDNEY DISEASE 4 WITH OR WITHOUT POLYCYSTIC LIVER DISEASE; PKD3; Autosomal Recessive Polycystic Kidney Disease – PKHD1; POLYCYSTIC KIDNEY AND HEPATIC DISEASE 1; POLYCYSTIC KIDNEY DISEASE, INFANTILE, TYPE I. Identifiers: MedGen C4540575, MONDO:0033004, OMIM 263200.
Autosomal recessive polycystic kidney disease (ARPKD). Also called: AR polycystic kidney disease. Identifiers: Orphanet 731, Orphanet 8378, MedGen C0085548, MeSH D017044, MONDO:0009889.

Allele frequency attached by ClinVar (database versions not stated): gnomAD exomes below 0.00001; gnomAD 0.00001; TOPMed 0.00001; ESP Exome Variant Server 0.00008.

Submissions (5):

Natera, Inc.
Classification: Likely pathogenic for Autosomal recessive polycystic kidney disease. Last evaluated: 2025-12-15. Review status: criteria provided, single submitter. Criteria: Natera Variant Classification Schema (03/2026). Collection method: clinical testing. Allele origin: germline.
Comment: The c.3528dupC variant in PKHD1 is a frameshift variant predicted to shift the reading frame beginning at codon 1177 and leads to a stop codon 13 codons downstream. This variant is expected to result in nonsense mediated decay, truncation, or a dysfunctional protein product. This variant is rare in the general population with a frequency below the threshold expected for the associated phenotype(s). Given the available evidence, this variant is classified as Likely Pathogenic.

Fulgent Genetics
Classification: Likely pathogenic for Polycystic kidney disease 4. Last evaluated: 2024-04-03. Review status: criteria provided, single submitter. Criteria: ACMG Guidelines, 2015. Collection method: clinical testing. Allele origin: germline.

Labcorp Genetics (formerly Invitae), Labcorp
Classification: Pathogenic for Autosomal recessive polycystic kidney disease. Last evaluated: 2023-12-10. Review status: criteria provided, single submitter. Criteria: Invitae Variant Classification Sherloc (09022015). Collection method: clinical testing. Allele origin: germline.
Comment: This sequence change creates a premature translational stop signal (p.Ser1177Leufs*13) in the PKHD1 gene. It is expected to result in an absent or disrupted protein product. Loss-of-function variants in PKHD1 are known to be pathogenic (PMID: 19940839). This variant is present in population databases (rs797044713, gnomAD 0.007%). This variant has not been reported in the literature in individuals affected with PKHD1-related conditions. ClinVar contains an entry for this variant (Variation ID: 196636). For these reasons, this variant has been classified as Pathogenic.

Eurofins Ntd Llc (ga)
Classification: Pathogenic. Last evaluated: 2014-06-11. Review status: criteria provided, single submitter. Criteria: EGL Classification Definitions. Collection method: clinical testing. Allele origin: germline. Observed: 1 variant allele, 1 heterozygote.

Counsyl
Classification: Likely pathogenic for Polycystic kidney disease 4. Last evaluated: 2018-02-26. Review status: no assertion criteria provided. Collection method: clinical testing. Allele origin: unknown. Not counted in ClinVar's aggregate classification.

Literature cited by the submitters: PubMed 19940839 (cited by Labcorp Genetics (formerly Invitae), Labcorp); PubMed 15805161 (cited by Eurofins Ntd Llc (ga) and Counsyl).

NM_138694.4(PKHD1):c.3528dup (p.Ser1177fs)

Gene: PKHD1 (PKHD1 ciliary IPT domain containing fibrocystin/polyductin; minus strand). Cytogenetic location: 6p12.2.
Variant type: Duplication.
Coding change: c.3528dup on transcript NM_138694.4 (MANE Select); coding-DNA position 3528, one base duplicated (C; older notation c.3528dupC).
Protein change: p.Ser1177fs; shifts the reading frame from serine 1177.
Molecular consequence: frameshift variant.
Genome position (GRCh38, 1-based): chr6:52,028,188, G duplicated on the plus strand (C on the coding strand, the reverse complement: PKHD1 is on the minus strand). VCF-style (leftmost placement, unchanged base first): chr6-52028187-A-AG. GRCh37 (hg19) VCF-style: chr6-51892985-A-AG.
Other names: c.3528dup, p.Ser1177fs (NM_170724.3); c.3528dupC (NM_138694.3); short protein forms S1177fs.
Identifiers: ClinVar variation 196636 (VCV000196636.17), dbSNP rs797044713, ClinGen allele CA275196.